The following is an entry in ClinVar:

NM_000019.4(ACAT1):c.1006-2A>C

Gene: ACAT1 (acetyl-CoA acetyltransferase 1; plus strand). Cytogenetic location: 11q22.3.
Variant type: single nucleotide variant.
Coding change: c.1006-2A>C on transcript NM_000019.4 (MANE Select); the canonical splice acceptor site of the intron before coding-DNA position 1006, A replaced by C.
Molecular consequence: splice acceptor variant.
Genome position (GRCh38, 1-based): chr11:108,146,200, A>C. VCF-style: chr11-108146200-A-C. GRCh37 (hg19) VCF-style: chr11-108016927-A-C.
Other names: IVS10, A-C, -2; c.736-2A>C (NM_001386682.1, NM_001386681.1, NM_001386685.1 and 6 more transcripts); c.1006-2A>C (NM_001386677.1); c.709-2A>C (NM_001386679.1); c.691-2A>C (NM_001386678.1).
Identifiers: ClinVar variation 2835 (VCV000002835.21), dbSNP rs145229472, ClinGen allele CA6263354.
Genomic context (GRCh38, chr11:108,146,200, plus strand): 5'-TGATGACAGTAAGTTGTGATTGCTAATTATTTGAACATCATCTGTCTTTTAAAAAATTTA[A>C]GGTTCTTAAAGATGTGGGATTGAAAAAAGAAGATATTGCAATGTGGGAAGTAAATGAAGC-3'

ClinVar aggregate classification (germline): Pathogenic. Review status: criteria provided, multiple submitters, no conflicts (2 of 4 stars). 7 submissions from 7 submitters: Pathogenic (6). 1 of the submissions does not count toward it. Last evaluated 2026-01-19.

Conditions:
Deficiency of acetyl-CoA acetyltransferase. Also called: Beta-ketothiolase deficiency; 3-KETOTHIOLASE DEFICIENCY; 3-OXOTHIOLASE DEFICIENCY; MITOCHONDRIAL ACETOACETYL-CoA THIOLASE DEFICIENCY. Identifiers: Orphanet 134, MedGen C1536500, MONDO:0008760, OMIM 203750. Disease mechanism: loss of function.

Allele frequency attached by ClinVar (database versions not stated): gnomAD 0.00003; TOPMed 0.00002; ExAC 0.00003; gnomAD exomes 0.00003; ESP Exome Variant Server 0.00008.
gnomAD v4.1: 41 of 1,607,290 alleles (0.0026%); highest among the groups gnomAD compares: African/African-American, 0.004%; no homozygotes.

Submissions (8):

Labcorp Genetics (formerly Invitae), Labcorp
Classification: Pathogenic for Deficiency of acetyl-CoA acetyltransferase. Last evaluated: 2026-01-19. Review status: criteria provided, single submitter. Criteria: Invitae Variant Classification Sherloc (09022015). Collection method: clinical testing. Allele origin: germline.
Comment: This sequence change affects an acceptor splice site in intron 10 of the ACAT1 gene. It is expected to disrupt RNA splicing. Variants that disrupt the donor or acceptor splice site typically lead to a loss of protein function (PMID: 16199547), and loss-of-function variants in ACAT1 are known to be pathogenic (PMID: 7749408). This variant is present in population databases (rs145229472, gnomAD 0.02%). Disruption of this splice site has been observed in individual(s) with beta-ketothiolase deficiency (PMID: 1346617). In at least one individual the data is consistent with being in trans (on the opposite chromosome) from a pathogenic variant. ClinVar contains an entry for this variant (Variation ID: 2835). Studies have shown that disruption of this splice site alters mRNA splicing and is expected to lead to the loss of protein expression (PMID: 1346617). For these reasons, this variant has been classified as Pathogenic.

Natera, Inc.
Classification: Pathogenic for Alpha-methylacetoacetic aciduria. Last evaluated: 2026-01-09. Review status: criteria provided, single submitter. Criteria: Natera Variant Classification Schema (03/2026). Collection method: clinical testing. Allele origin: germline.
Comment: The c.1006-2A>C variant in ACAT1 is a canonical splice acceptor site variant predicted to affect pre-mRNA splicing, which may result in an abnormal transcript and altered protein product. This variant is expected to result in nonsense mediated decay, truncation, or a dysfunctional protein product. This variant is rare in the general population with a frequency below the threshold expected for the associated phenotype(s). This variant has been observed in one or more individuals affected with the associated recessive disease, as either homozygous or compound heterozygous with a second variant (PMID: 20156697). Given the available evidence, this variant is classified as Pathogenic.

Women's Health and Genetics/Laboratory Corporation of America, LabCorp
Classification: Pathogenic for Deficiency of acetyl-CoA acetyltransferase. Last evaluated: 2025-03-05. Review status: criteria provided, single submitter. Criteria: LabCorp Variant Classification Summary - May 2015. Collection method: clinical testing. Allele origin: germline.
Comment: Variant summary: ACAT1 c.1006-2A>C is located in a canonical splice-site and is predicted to affect mRNA splicing resulting in a significantly altered protein due to either exon skipping, shortening, or inclusion of intronic material. Variants that disrupt the consensus splice site are a relatively common cause of aberrant splicing and loss of ACAT1 function. Several computational tools predict a significant impact on normal splicing: One predict the variant abolishes a 3' acceptor site. Two predict the variant creates a 3' acceptor site. At least one publication reports experimental evidence that this variant affects mRNA splicing (Fukao_1992). The variant allele was found at a frequency of 2.8e-05 in 251070 control chromosomes. c.1006-2A>C has been reported in the literature in individuals affected with Mitochondrial Acetoacetyl-CoA Thiolase Deficiency (Fukao_1992, Fukao_2010, Grunert_2017). The following publications have been ascertained in the context of this evaluation (PMID: 20156697, 1346617, 28689740). ClinVar contains an entry for this variant (Variation ID: 2835). Based on the evidence outlined above, the variant was classified as pathogenic.

Fulgent Genetics
Classification: Pathogenic for Deficiency of acetyl-CoA acetyltransferase. Last evaluated: 2024-04-16. Review status: criteria provided, single submitter. Criteria: ACMG Guidelines, 2015. Collection method: clinical testing. Allele origin: germline.

GeneDx
Classification: Pathogenic. Last evaluated: 2023-09-19. Review status: criteria provided, single submitter. Criteria: GeneDx Variant Classification Process June 2021. Collection method: clinical testing. Allele origin: germline. Affected: yes.
Comment: Published functional studies in vivo demonstrated that this variant results in aberrant splicing, leading to frameshift (Fukao T et al., 1992); Canonical splice site variant predicted to result in a null allele in a gene for which loss of function is a known mechanism of disease; This variant is associated with the following publications: (PMID: 25525159, 28726122, 7173255, 25087612, 1346617)

Department of Pediatrics, Gifu University
Classification: Pathogenic for Deficiency of acetyl-CoA acetyltransferase. Last evaluated: 2019-05-05. Review status: criteria provided, single submitter. Criteria: ACMG Guidelines, 2015. Collection method: research. Allele origin: germline. Affected: yes. Observed: 4 variant alleles. Clinical features observed: Ketoacidosis, Neurological impairment.

OMIM
Classification: Pathogenic for 3-KETOTHIOLASE DEFICIENCY. Last evaluated: 1992-02-01. Review status: no assertion criteria provided. Collection method: literature only. Allele origin: germline. Not counted in ClinVar's aggregate classification.

Dr. Peter K. Rogan Lab, Western University
No classification provided (evidence only). Condition: Sarcoma. Review status: no classification provided. Collection method: in vitro. Allele origin: not applicable. Functional consequence: skipped exon, retained intron. Not counted in ClinVar's aggregate classification.

Literature cited by the submitters: PubMed 16199547 (cited by Labcorp Genetics (formerly Invitae), Labcorp); PubMed 7749408 (cited by Labcorp Genetics (formerly Invitae), Labcorp); PubMed 1346617 (cited by 3 submitters); PubMed 20156697 (cited by Natera, Inc. and Women's Health and Genetics/Laboratory Corporation of America, LabCorp); PubMed 28689740 (cited by Women's Health and Genetics/Laboratory Corporation of America, LabCorp); PubMed 31268215 (cited by Department of Pediatrics, Gifu University).